The following is an entry in ClinVar:

ClinVar aggregate classification (germline): Likely benign. Review status: reviewed by expert panel (3 of 4 stars). 4 submissions from 4 submitters: Likely benign (1). 3 of the submissions do not count toward it. Last evaluated 2026-02-24.

Conditions:
DICER1-related tumor predisposition. Also called: DICER1-related pleuropulmonary blastoma cancer predisposition syndrome; DICER1 syndrome. Identifiers: Orphanet 284343, MedGen C3839822, MONDO:0100216.
Hereditary cancer-predisposing syndrome. Also called: Tumor predisposition; Neoplastic Syndromes, Hereditary; Hereditary Cancer Syndrome; Hereditary neoplastic syndrome. Identifiers: Orphanet 140162, MedGen C0027672, MeSH D009386, MONDO:0015356.
Pleuropulmonary blastoma (PPB). Identifiers: Orphanet 64742, MedGen C1266144, MONDO:0011014, OMIM 601200, HP:0100528.

Allele frequency attached by ClinVar (database versions not stated): gnomAD exomes below 0.00001 and 0.00002; TOPMed 0.00002; ExAC 0.00003; gnomAD 0.00004; 1000 Genomes Project 30x 0.00016; 1000 Genomes Project 0.00020.
gnomAD v4.1: 8 of 1,614,202 alleles (0.0005%); highest among the groups gnomAD compares: African/African-American, 0.0093%; no homozygotes.

Submissions (4):

ClinGen DICER1 and miRNA-Processing Gene Variant Curation Expert Panel, ClinGen
Classification: Likely benign for DICER1-related tumor predisposition. Last evaluated: 2026-02-24. Review status: reviewed by expert panel. Criteria: ClinGen DICER1 ACMG Specifications DICER1 V1.4.0. Collection method: curation. Allele origin: germline. Inheritance: Autosomal dominant inheritance.
Comment: The NM_177438.3:c.1801A>G variant in DICER1 is a missense variant predicted to cause substitution of isoleucine by valine at amino acid 601 (p.Ile601Val). Although this variant has been observed in individuals undergoing genetic sequencing, to our knowledge, this variant has not been reported in individuals with DICER1-related tumor predisposition (PS4 not met; Internal lab contributors). This variant has been seen in 10 or more unrelated females without tumors through age 50 in at least one testing laboratory (BS2_Supporting; Internal lab contributors). The total allele frequency in gnomAD v4.1.0 is 0.000004956 (8/1614202 alleles) with a highest population minor allele frequency of 0.00009327 (7/75050 alleles) in the African/African American population (PM2_Supporting, BS1, and BA1 are not met). In silico tools predict no damaging impact of the variant on protein function (REVEL: 0.093; MaxEntScan and SpliceAI: no effect on splicing) (BP4). Another missense variant, c.1803T>G (p.Ile601Met), with Grantham score equal to or less than the current variant has been reported in the same codon (ClinVar Variation ID: 567555). However, this variant has not yet met the criteria to be classified as pathogenic by the ClinGen DICER1 VCEP (PM5 not met). In summary, this variant meets the criteria to be classified as Likely Benign for DICER1-related tumor predisposition based on the ACMG/AMP criteria applied, as specified by the ClinGen DICER1 VCEP: BS2_supporting, BP4. (Bayesian Points: -2; VCEP specifications version 1.4.0; 02/24/2026)

Labcorp Genetics (formerly Invitae), Labcorp
Classification: Uncertain significance for DICER1-related tumor predisposition. Last evaluated: 2024-11-05. Review status: criteria provided, single submitter. Criteria: Invitae Variant Classification Sherloc (09022015). Collection method: clinical testing. Allele origin: germline. Not counted in ClinVar's aggregate classification.
Comment: This sequence change replaces isoleucine, which is neutral and non-polar, with valine, which is neutral and non-polar, at codon 601 of the DICER1 protein (p.Ile601Val). This variant is present in population databases (rs564224919, gnomAD 0.03%). This variant has not been reported in the literature in individuals affected with DICER1-related conditions. ClinVar contains an entry for this variant (Variation ID: 479623). Invitae Evidence Modeling of protein sequence and biophysical properties (such as structural, functional, and spatial information, amino acid conservation, physicochemical variation, residue mobility, and thermodynamic stability) indicates that this missense variant is not expected to disrupt DICER1 protein function with a negative predictive value of 95%. In summary, the available evidence is currently insufficient to determine the role of this variant in disease. Therefore, it has been classified as a Variant of Uncertain Significance.

St. Jude Molecular Pathology, St. Jude Children's Research Hospital
Classification: Uncertain significance for Pleuropulmonary blastoma. Last evaluated: 2023-11-13. Review status: criteria provided, single submitter. Criteria: St. Jude Assertion Criteria 2020. Collection method: clinical testing. Allele origin: germline. Not counted in ClinVar's aggregate classification.
Comment: The DICER1 c.1801A>G (p.Ile601Val) missense change has a maximum subpopulation frequency of 0.02% in gnomAD v2.1.1. The in silico tool REVEL predicts a benign effect on protein function and no splicing effects are predicted, but to our knowledge these predictions have not been confirmed by functional studies. To our knowledge, this variant has not been reported in individuals with DICER1-associated tumors. In summary, the evidence currently available is insufficient to determine the clinical significance of this variant. It has therefore been classified as of uncertain significance.

Ambry Genetics
Classification: Likely benign for Hereditary cancer-predisposing syndrome. Last evaluated: 2019-03-18. Review status: criteria provided, single submitter. Criteria: Ambry Variant Classification Scheme 2023. Collection method: clinical testing. Allele origin: germline. Not counted in ClinVar's aggregate classification.

NM_177438.3(DICER1):c.1801A>G (p.Ile601Val)

Gene: DICER1 (dicer 1, ribonuclease III; minus strand). Cytogenetic location: 14q32.13.
Variant type: single nucleotide variant.
Coding change: c.1801A>G on transcript NM_177438.3 (MANE Select); coding-DNA position 1801, A replaced by G.
Protein change: p.Ile601Val; replaces isoleucine 601 with valine.
Molecular consequence: missense variant.
Genome position (GRCh38, 1-based): chr14:95,115,773, T>C on the plus strand (A>G on the coding strand, the complement: DICER1 is on the minus strand). VCF-style: chr14-95115773-T-C. GRCh37 (hg19) VCF-style: chr14-95582110-T-C.
Other names: NM_177438.3(DICER1):c.1801A>G; p.Ile601Val; c.1801A>G, p.Ile601Val (NM_001195573.1, NM_001271282.3, NM_001291628.2 and 1 more transcripts); short protein forms I601V.
Identifiers: ClinVar variation 479623 (VCV000479623.16), dbSNP rs564224919, ClinGen allele CA7331395.